The following is an entry in ClinVar:

NM_004370.6(COL12A1):c.291TGA[1] (p.Asp98del)

Gene: COL12A1 (collagen type XII alpha 1 chain; minus strand). Cytogenetic location: 6q13.
Variant type: Microsatellite.
Coding change: c.291TGA[1] on transcript NM_004370.6 (MANE Select); one copy of the 3-base unit TGA starting at c.291; the reference has two copies in a row; one copy, 3 bases deleted.
Protein change: p.Asp98del; deletes aspartic acid 98.
Molecular consequence: inframe deletion. On other transcripts: intron variant (1).
Genome position (GRCh38, 1-based): chr6:75,192,250-75,192,252, TCA deleted on the plus strand (TGA on the coding strand, the reverse complement: COL12A1 is on the minus strand); deleting any 3 consecutive bases within chr6:75,192,250-75,192,256 gives the same sequence; the position shown is the placement nearest the transcript's 3' end. VCF-style (leftmost placement, unchanged base first): chr6-75192249-TTCA-T. GRCh37 (hg19) VCF-style: chr6-75901965-TTCA-T.
Other names: c.73+10468_73+10470del (NM_080645.3); short protein forms D98del.
Identifiers: ClinVar variation 2096637 (VCV002096637.4), dbSNP rs2533616703, ClinGen allele CA2580617294.

ClinVar aggregate classification (germline): Uncertain significance (1 of 4 stars; one submission).

Conditions:
Ullrich congenital muscular dystrophy 2 (UCMD2). Identifiers: Orphanet 75840, MedGen C4225314, MONDO:0014654, OMIM 616470.
Bethlem myopathy 2 (BTHLM2). Identifiers: Orphanet 536516, Orphanet 610, MedGen C4225313, MONDO:0034022, OMIM 616471.

Submission:

Labcorp Genetics (formerly Invitae), Labcorp
Classification: Uncertain significance for Bethlem myopathy 2; Ullrich congenital muscular dystrophy 2. Last evaluated: 2022-09-24. Review status: criteria provided, single submitter. Criteria: Invitae Variant Classification Sherloc (09022015). Collection method: clinical testing. Allele origin: germline.
Comment: This variant, c.294_296del, results in the deletion of 1 amino acid(s) of the COL12A1 protein (p.Asp98del), but otherwise preserves the integrity of the reading frame. This variant is not present in population databases (gnomAD no frequency). This variant has not been reported in the literature in individuals affected with COL12A1-related conditions. Experimental studies and prediction algorithms are not available or were not evaluated, and the functional significance of this variant is currently unknown. In summary, the available evidence is currently insufficient to determine the role of this variant in disease. Therefore, it has been classified as a Variant of Uncertain Significance.